The following is an entry in ClinVar:

ClinVar aggregate classification (germline): Pathogenic/Likely pathogenic. Review status: criteria provided, multiple submitters, no conflicts (2 of 4 stars). 6 submissions from 6 submitters: Pathogenic (1); Likely pathogenic (3). 2 of the submissions do not count toward it. Last evaluated 2025-06-08.

Conditions:
Macular dystrophy. Identifiers: MedGen C0730292, HP:0007754.
CNGB3-related disorder. Also called: CNGB3-related disorders; CNGB3-related condition. Identifiers: MedGen CN239340.
Achromatopsia 3 (ACHM3). Also called: PINGELAPESE BLINDNESS; ACHROMATOPSIA WITH MYOPIA; TOTAL COLORBLINDNESS WITH MYOPIA; ROD MONOCHROMACY 1; ROD MONOCHROMATISM 1. Identifiers: Orphanet 49382, MedGen C1849792, MONDO:0009875, OMIM 262300.
Achromatopsia. Also called: Rod monochromatism. Identifiers: Orphanet 49382, MedGen C0152200, MONDO:0018852, HP:0011516.

Allele frequency attached by ClinVar (database versions not stated): gnomAD exomes below 0.00001.
gnomAD v4.1: 2 of 1,613,822 alleles (0.00012%); highest among the groups gnomAD compares: East Asian, 0.0022%; no homozygotes.

Submissions (6):

Natera, Inc.
Classification: Likely pathogenic for Achromatopsia. Last evaluated: 2025-06-08. Review status: criteria provided, single submitter. Criteria: Natera Variant Classification Schema (03/2026). Collection method: clinical testing. Allele origin: germline.
Comment: The c.2103+1G>A variant in CNGB3 is a canonical splice donor site variant predicted to affect pre-mRNA splicing, which may result in an abnormal transcript and altered protein product. This variant is expected to result in nonsense mediated decay, truncation, or a dysfunctional protein product. This variant is rare in the general population with a frequency below the threshold expected for the associated phenotype(s). This variant has been observed in one or more individuals affected with the associated recessive disease, as either homozygous or compound heterozygous with a second variant (PMID: 28795510, 28041643). Given the available evidence, this variant is classified as Likely Pathogenic.

Fulgent Genetics
Classification: Likely pathogenic for Achromatopsia 3. Last evaluated: 2024-06-07. Review status: criteria provided, single submitter. Criteria: ACMG Guidelines, 2015. Collection method: clinical testing. Allele origin: germline.

Labcorp Genetics (formerly Invitae), Labcorp
Classification: Likely pathogenic. Last evaluated: 2023-04-18. Review status: criteria provided, single submitter. Criteria: Invitae Variant Classification Sherloc (09022015). Collection method: clinical testing. Allele origin: germline.
Comment: This sequence change affects a donor splice site in intron 17 of the CNGB3 gene. While this variant is not anticipated to result in nonsense mediated decay, it likely alters RNA splicing and results in a disrupted protein product. This variant is not present in population databases (gnomAD no frequency). Disruption of this splice site has been observed in individual(s) with CNGB3-related conditions (PMID: 28041643, 28795510; external communication). In at least one individual the data is consistent with being in trans (on the opposite chromosome) from a pathogenic variant. ClinVar contains an entry for this variant (Variation ID: 427711). Variants that disrupt the consensus splice site are a relatively common cause of aberrant splicing (PMID: 17576681, 9536098). Algorithms developed to predict the effect of sequence changes on RNA splicing suggest that this variant may disrupt the consensus splice site. In summary, the currently available evidence indicates that the variant is pathogenic, but additional data are needed to prove that conclusively. Therefore, this variant has been classified as Likely Pathogenic.

Blueprint Genetics
Classification: Pathogenic for CNGB3-related disorders. Last evaluated: 2022-11-17. Review status: criteria provided, single submitter. Criteria: ACMG Guidelines, 2015. Collection method: clinical testing. Allele origin: germline. Affected: yes. Observed: 1 variant allele.

Molecular Genetics Laboratory, Institute for Ophthalmic Research
Classification: Pathogenic for ACHM3. Last evaluated: 2017-03-27. Review status: no assertion criteria provided. Collection method: research. Allele origin: unknown. Affected: yes. Not counted in ClinVar's aggregate classification.

NIHR Bioresource Rare Diseases, University of Cambridge
Classification: Likely pathogenic for Macular dystrophy. Last evaluated: 2015-01-01. Review status: no assertion criteria provided. Collection method: research. Allele origin: unknown. Affected: yes. Observed: 1 variant allele. Not counted in ClinVar's aggregate classification.

Literature cited by the submitters: PubMed 28795510 (cited by 3 submitters); PubMed 28041643 (cited by 3 submitters); PubMed 17576681 (cited by Labcorp Genetics (formerly Invitae), Labcorp); PubMed 9536098 (cited by Labcorp Genetics (formerly Invitae), Labcorp).

NM_019098.5(CNGB3):c.2103+1G>A

Gene: CNGB3 (cyclic nucleotide gated channel subunit beta 3; minus strand). Cytogenetic location: 8q21.3.
Variant type: single nucleotide variant.
Coding change: c.2103+1G>A on transcript NM_019098.5 (MANE Select); the canonical splice donor site of the intron after coding-DNA position 2103, G replaced by A.
Molecular consequence: splice donor variant.
Genome position (GRCh38, 1-based): chr8:86,578,688, C>T on the plus strand (G>A on the coding strand, the complement: CNGB3 is on the minus strand). VCF-style: chr8-86578688-C-T. GRCh37 (hg19) VCF-style: chr8-87590916-C-T.
Identifiers: ClinVar variation 427711 (VCV000427711.10), dbSNP rs1554604767, ClinGen allele CA371447155.